The following is an entry in ClinVar:

NM_001394966.1(NEK10):c.2431C>T (p.Arg811Cys)

Gene: NEK10 (NIMA related kinase 10; minus strand). Cytogenetic location: 3p24.1.
Variant type: single nucleotide variant.
Coding change: c.2431C>T on transcript NM_001394966.1 (MANE Select); coding-DNA position 2431, C replaced by T.
Protein change: p.Arg811Cys; replaces arginine 811 with cysteine.
Molecular consequence: missense variant.
Genome position (GRCh38, 1-based): chr3:27,192,103, G>A on the plus strand (C>T on the coding strand, the complement: NEK10 is on the minus strand). VCF-style: chr3-27192103-G-A. GRCh37 (hg19) VCF-style: chr3-27233594-G-A.
Other names: c.367C>T, p.Arg123Cys (NM_001031741.5, NM_001304384.3); c.2431C>T, p.Arg811Cys (NM_001394963.1, NM_001394965.1, NM_001394970.1 and 2 more transcripts); c.2344C>T, p.Arg782Cys (NM_001394964.1, NM_001394967.1); c.2314C>T, p.Arg772Cys (NM_001394968.1); c.2143C>T, p.Arg715Cys (NM_001394969.1); short protein forms R123C, R715C, R772C, R782C, R811C.
Identifiers: ClinVar variation 3252173 (VCV003252173.3), dbSNP rs774551711.

ClinVar aggregate classification (germline): Uncertain significance. Review status: criteria provided, multiple submitters, no conflicts (2 of 4 stars). 2 submissions from 2 submitters: Uncertain significance (2). Last evaluated 2026-02-04.

Allele frequency attached by ClinVar (database versions not stated): gnomAD 0.00003; TOPMed 0.00003.
gnomAD v4.1: 76 of 1,614,090 alleles (0.0047%); highest among the groups gnomAD compares: East Asian, 0.13%; 1 homozygote.

Submissions (2):

Dasa
Classification: Uncertain significance. Last evaluated: 2026-02-04. Review status: criteria provided, single submitter. Criteria: DASA Assertion Criteria. Collection method: clinical testing. Allele origin: germline.
Comment: NM_001394966.1(NEK10):c.2431C>T (p.Arg811Cys) is a missense variant that results in the substitution of arginine with cysteine. This variant is rare in population databases. The currently available literature and clinical evidence are not sufficient to establish a definitive association between this variant and the reported condition. Therefore, this variant is classified as a variant of uncertain significance.

GeneDx
Classification: Uncertain significance. Last evaluated: 2022-02-03. Review status: criteria provided, single submitter. Criteria: GeneDx Variant Classification Process June 2021. Collection method: clinical testing. Allele origin: germline. Affected: yes.
Comment: In silico analysis supports that this missense variant has a deleterious effect on protein structure/function; Has not been previously published as pathogenic or benign to our knowledge; Variants in candidate genes are classified as variants of uncertain significance in accordance with ACMG guidelines (Richards et al., 2015)